The following is an entry in ClinVar:

NM_001256715.2(DNAAF3):c.289G>C (p.Ala97Pro)

Genes: DNAAF3 (dynein axonemal assembly factor 3; minus strand), DNAAF3-AS1 (DNAAF3 antisense RNA 1; plus strand). Cytogenetic location: 19q13.42.
Variant type: single nucleotide variant.
Coding change: c.289G>C on transcript NM_001256715.2 (MANE Select); coding-DNA position 289, G replaced by C.
Protein change: p.Ala97Pro; replaces alanine 97 with proline.
Molecular consequence: missense variant.
Genome position (GRCh38, 1-based): chr19:55,165,403, C>G on the plus strand (G>C on the coding strand, the complement: DNAAF3 is on the minus strand). VCF-style: chr19-55165403-C-G. GRCh37 (hg19) VCF-style: chr19-55676771-C-G.
Other names: c.493G>C, p.Ala165Pro (NM_001256714.1); c.127G>C, p.Ala43Pro (NM_001256716.2); c.430G>C, p.Ala144Pro (NM_178837.4); short protein forms A144P, A165P, A43P, A97P.
Identifiers: ClinVar variation 3382266 (VCV003382266.2).
Genomic context (GRCh38, chr19:55,165,403, plus strand): 5'-CAGAATGCCTGGGTCCTAGCAACAGACCTTGCAGCCCCATCTTCTCCGGTTCCTCCAGGG[C>G]TAGGCTGAAGATCAGCATGTGTCGGGCCACAGCTTCCAGATTATTCTCCAGCACAAAGAA-3'
Protein context (NP_001243644.1, residues 87-107): VARHMLIFSL[Ala97Pro]LEEPEKMGLQ

ClinVar aggregate classification (germline): Uncertain significance (1 of 4 stars; one submission).

Conditions:
Primary ciliary dyskinesia 2. Also called: CILIARY DYSKINESIA, PRIMARY, 2, WITH OR WITHOUT SITUS INVERSUS. Identifiers: Orphanet 244, MedGen C1847554, MONDO:0011718, OMIM 606763.

gnomAD v4.1: 1 of 1,614,168 alleles (0.000062%); highest among the groups gnomAD compares: Non-Finnish European, 0.000085%; no homozygotes.

Submission:

Juno Genomics, Hangzhou Juno Genomics, Inc
Classification: Uncertain significance for Primary ciliary dyskinesia 2. Review status: criteria provided, single submitter. Criteria: ACMG Guidelines, 2015. Collection method: clinical testing. Allele origin: germline. Affected: yes.
Comment: Absent from controls (or at extremely low frequency if recessive) in Genome Aggregation Database, Exome Sequencing Project, 1000 Genomes Project, or Exome Aggregation Consortium.;Multiple lines of computational evidence suggest no impact on gene or gene product (conservation, evolutionary, splicing impact, etc).;For recessive disorders, detected in trans with a pathogenic variant.;Patient's phenotype or family history is highly specific for a disease with a single genetic etiology.